The following is an entry in ClinVar:

NM_145239.3(PRRT2):c.31A>T (p.Met11Leu)

Genes: MVP-DT (MVP divergent transcript; minus strand), PRRT2 (proline rich transmembrane protein 2; plus strand). Cytogenetic location: 16p11.2.
Variant type: single nucleotide variant.
Coding change: c.31A>T on transcript NM_145239.3 (MANE Select); coding-DNA position 31, A replaced by T.
Protein change: p.Met11Leu; replaces methionine 11 with leucine.
Molecular consequence: missense variant.
Genome position (GRCh38, 1-based): chr16:29,813,085, A>T. VCF-style: chr16-29813085-A-T. GRCh37 (hg19) VCF-style: chr16-29824406-A-T.
Other names: c.31A>T, p.Met11Leu (NM_001256442.2, NM_001256443.2); short protein forms M11L.
Identifiers: ClinVar variation 1062259 (VCV001062259.9), dbSNP rs746699261, ClinGen allele CA7994465.

ClinVar aggregate classification (germline): Uncertain significance (1 of 4 stars; one submission).

Conditions:
Episodic kinesigenic dyskinesia (EKD). Also called: Paroxysmal kinesigenic dyskinesia. Identifiers: Orphanet 98809, MedGen C1868682, MONDO:0044202.

Allele frequency attached by ClinVar (database versions not stated): TOPMed below 0.00001; gnomAD 0.00001; ExAC 0.00002.

Submission:

Labcorp Genetics (formerly Invitae), Labcorp
Classification: Uncertain significance for Episodic kinesigenic dyskinesia. Last evaluated: 2025-12-15. Review status: criteria provided, single submitter. Criteria: Invitae Variant Classification Sherloc (09022015). Collection method: clinical testing. Allele origin: germline.
Comment: This sequence change replaces methionine, which is neutral and non-polar, with leucine, which is neutral and non-polar, at codon 11 of the PRRT2 protein (p.Met11Leu). This variant is present in population databases (rs746699261, gnomAD 0.02%). This variant has not been reported in the literature in individuals affected with PRRT2-related conditions. ClinVar contains an entry for this variant (Variation ID: 1062259). Invitae Evidence Modeling of protein sequence and biophysical properties (such as structural, functional, and spatial information, amino acid conservation, physicochemical variation, residue mobility, and thermodynamic stability) indicates that this missense variant is not expected to disrupt PRRT2 protein function with a negative predictive value of 95%. In summary, the available evidence is currently insufficient to determine the role of this variant in disease. Therefore, it has been classified as a Variant of Uncertain Significance.